The following is an entry in ClinVar:

ClinVar aggregate classification (germline): Uncertain significance (1 of 4 stars; one submission).

Conditions:
Familial acute necrotizing encephalopathy (IIAE3). Also called: Susceptibility to Acute Necrotizing Encephalopathy 1; ENCEPHALOPATHY, ACUTE, INFECTION-INDUCED, SUSCEPTIBILITY TO, 3. Identifiers: Orphanet 88619, MedGen C2675556, MONDO:0011953, OMIM 608033.

Allele frequency attached by ClinVar (database versions not stated): gnomAD below 0.00001 and 0.00001.
gnomAD v4.1: 12 of 1,611,722 alleles (0.00074%); highest among the groups gnomAD compares: South Asian, 0.013%; no homozygotes.

Submission:

Labcorp Genetics (formerly Invitae), Labcorp
Classification: Uncertain significance for Familial acute necrotizing encephalopathy. Last evaluated: 2023-11-27. Review status: criteria provided, single submitter. Criteria: Invitae Variant Classification Sherloc (09022015). Collection method: clinical testing. Allele origin: germline.
Comment: This sequence change replaces aspartic acid, which is acidic and polar, with histidine, which is basic and polar, at codon 772 of the RANBP2 protein (p.Asp772His). This variant is present in population databases (rs776333740, gnomAD 0.01%). This variant has not been reported in the literature in individuals affected with RANBP2-related conditions. ClinVar contains an entry for this variant (Variation ID: 655944). An algorithm developed to predict the effect of missense changes on protein structure and function (PolyPhen-2) suggests that this variant is likely to be tolerated. In summary, the available evidence is currently insufficient to determine the role of this variant in disease. Therefore, it has been classified as a Variant of Uncertain Significance.

NM_006267.5(RANBP2):c.2314G>C (p.Asp772His)

Gene: RANBP2 (RAN binding protein 2; plus strand). Cytogenetic location: 2q13.
Variant type: single nucleotide variant.
Coding change: c.2314G>C on transcript NM_006267.5 (MANE Select); coding-DNA position 2314, G replaced by C.
Protein change: p.Asp772His; replaces aspartic acid 772 with histidine.
Molecular consequence: missense variant.
Genome position (GRCh38, 1-based): chr2:108,755,016, G>C. VCF-style: chr2-108755016-G-C. GRCh37 (hg19) VCF-style: chr2-109371472-G-C.
Other names: short protein forms D772H.
Identifiers: ClinVar variation 655944 (VCV000655944.6), dbSNP rs776333740, ClinGen allele CA1822626.
Genomic context (GRCh38, chr2:108,755,016, plus strand): 5'-GAACTCGAAGACTATAGTGAAGGAGGTCCTCTCTATAAAAATGGTTCTTTGCGAAATGCA[G>C]ATTCAGAAATAAAACATTCTACACCGTCTCCTACCAGATATTCACTATCACCAAGTAAAA-3'
Protein context (NP_006258.3, residues 762-782): LYKNGSLRNA[Asp772His]SEIKHSTPSP